The following is an entry in ClinVar:

NM_015178.3(RHOBTB2):c.1045G>A (p.Glu349Lys)

Gene: RHOBTB2 (Rho related BTB domain containing 2; plus strand). Cytogenetic location: 8p21.3.
Variant type: single nucleotide variant.
Coding change: c.1045G>A on transcript NM_015178.3 (MANE Select); coding-DNA position 1045, G replaced by A.
Protein change: p.Glu349Lys; replaces glutamic acid 349 with lysine.
Molecular consequence: missense variant.
Genome position (GRCh38, 1-based): chr8:23,007,290, G>A. VCF-style: chr8-23007290-G-A. GRCh37 (hg19) VCF-style: chr8-22864803-G-A.
Other names: c.1111G>A, p.Glu371Lys (NM_001160036.2); c.1066G>A, p.Glu356Lys (NM_001160037.2); c.1045G>A, p.Glu349Lys (NM_001374791.1); short protein forms E349K, E356K, E371K.
Identifiers: ClinVar variation 2875850 (VCV002875850.3), dbSNP rs2487011321, ClinGen allele CA370567269.

ClinVar aggregate classification (germline): Uncertain significance (1 of 4 stars; one submission).

gnomAD v4.1: 4 of 1,613,720 alleles (0.00025%); highest among the groups gnomAD compares: Non-Finnish European, 0.00034%; no homozygotes.

Submission:

Labcorp Genetics (formerly Invitae), Labcorp
Classification: Uncertain significance. Last evaluated: 2024-05-13. Review status: criteria provided, single submitter. Criteria: Invitae Variant Classification Sherloc (09022015). Collection method: clinical testing. Allele origin: germline.
Comment: This sequence change replaces glutamic acid, which is acidic and polar, with lysine, which is basic and polar, at codon 371 of the RHOBTB2 protein (p.Glu371Lys). This variant is not present in population databases (gnomAD no frequency). This variant has not been reported in the literature in individuals affected with RHOBTB2-related conditions. Advanced modeling of protein sequence and biophysical properties (such as structural, functional, and spatial information, amino acid conservation, physicochemical variation, residue mobility, and thermodynamic stability) performed at Invitae indicates that this missense variant is not expected to disrupt RHOBTB2 protein function with a negative predictive value of 80%. In summary, the available evidence is currently insufficient to determine the role of this variant in disease. Therefore, it has been classified as a Variant of Uncertain Significance.